The following is an entry in ClinVar:

ClinVar aggregate classification (germline): Pathogenic (1 of 4 stars; one submission).

Conditions:
Muscular dystrophy-dystroglycanopathy (congenital with brain and eye anomalies), type a, 11 (MDDGA11). Also called: WALKER-WARBURG SYNDROME OR MUSCLE-EYE-BRAIN DISEASE, B3GALNT2-RELATED; Congenital muscular dystrophy-dystroglycanopathy with brain and eye anomalies, type A11; Muscular dystrophy-dystroglycanopathy (congenital with brain and eye anomalies, type A, 11. Identifiers: Orphanet 588, Orphanet 899, MedGen C3554638, MONDO:0014071, OMIM 615181.

Submission:

Labcorp Genetics (formerly Invitae), Labcorp
Classification: Pathogenic for Muscular dystrophy-dystroglycanopathy (congenital with brain and eye anomalies), type a, 11. Last evaluated: 2023-09-11. Review status: criteria provided, single submitter. Criteria: Invitae Variant Classification Sherloc (09022015). Collection method: clinical testing. Allele origin: germline.
Comment: For these reasons, this variant has been classified as Pathogenic. Algorithms developed to predict the effect of sequence changes on RNA splicing suggest that this variant may disrupt the consensus splice site. This variant has not been reported in the literature in individuals affected with B3GALNT2-related conditions. This variant is not present in population databases (gnomAD no frequency). This sequence change creates a premature translational stop signal (p.Tyr317Leufs*2) in the B3GALNT2 gene. It is expected to result in an absent or disrupted protein product. Loss-of-function variants in B3GALNT2 are known to be pathogenic (PMID: 23453667).

Literature cited by the submitters: PubMed 23453667.

NM_152490.5(B3GALNT2):c.947dup (p.Tyr317fs)

Gene: B3GALNT2 (beta-1,3-N-acetylgalactosaminyltransferase 2; minus strand). Cytogenetic location: 1q42.3.
Variant type: Duplication.
Coding change: c.947dup on transcript NM_152490.5 (MANE Select); coding-DNA position 947, one base duplicated (T; older notation c.947dupT).
Protein change: p.Tyr317fs; shifts the reading frame from tyrosine 317.
Molecular consequence: frameshift variant.
Genome position (GRCh38, 1-based): chr1:235,458,681, A duplicated on the plus strand (T on the coding strand, the reverse complement: B3GALNT2 is on the minus strand). VCF-style (leftmost placement, unchanged base first): chr1-235458680-G-GA. GRCh37 (hg19) VCF-style: chr1-235621988-G-GA.
Other names: short protein forms Y317fs.
Identifiers: ClinVar variation 2760106 (VCV002760106.3), dbSNP rs2527167934, ClinGen allele CA2697555010.